The following is an entry in ClinVar:

ClinVar aggregate classification (germline): Conflicting classifications of pathogenicity. Review status: criteria provided, conflicting classifications (1 of 4 stars). 5 submissions from 5 submitters: Uncertain significance (4); Likely benign (1). Last evaluated 2024-01-30.

Conditions:
Inborn genetic diseases. Identifiers: MedGen C0950123, MeSH D030342.

Allele frequency attached by ClinVar (database versions not stated): ExAC 0.00004; gnomAD exomes 0.00005 and 0.00013; TOPMed 0.00007; gnomAD 0.00008.
gnomAD v4.1: 211 of 1,614,118 alleles (0.013%); highest among the groups gnomAD compares: Non-Finnish European, 0.016%; no homozygotes.

Submissions (5):

Ambry Genetics
Classification: Likely benign for Inborn genetic diseases. Last evaluated: 2024-01-30. Review status: criteria provided, single submitter. Criteria: Ambry Variant Classification Scheme 2023. Collection method: clinical testing. Allele origin: germline.

Athena Diagnostics
Classification: Uncertain significance. Last evaluated: 2023-12-04. Review status: criteria provided, single submitter. Criteria: Athena Diagnostics Criteria. Collection method: clinical testing. Allele origin: unknown.

Labcorp Genetics (formerly Invitae), Labcorp
Classification: Uncertain significance. Last evaluated: 2022-07-05. Review status: criteria provided, single submitter. Criteria: Invitae Variant Classification Sherloc (09022015). Collection method: clinical testing. Allele origin: germline.
Comment: This sequence change replaces methionine, which is neutral and non-polar, with threonine, which is neutral and polar, at codon 804 of the HSPG2 protein (p.Met804Thr). This variant is present in population databases (rs761964111, gnomAD 0.009%). This variant has not been reported in the literature in individuals affected with HSPG2-related conditions. ClinVar contains an entry for this variant (Variation ID: 501918). Algorithms developed to predict the effect of missense changes on protein structure and function output the following: SIFT: "Tolerated"; PolyPhen-2: "Benign"; Align-GVGD: "Class C0". The threonine amino acid residue is found in multiple mammalian species, which suggests that this missense change does not adversely affect protein function. In summary, the available evidence is currently insufficient to determine the role of this variant in disease. Therefore, it has been classified as a Variant of Uncertain Significance.

Revvity Omics, Revvity
Classification: Uncertain significance. Last evaluated: 2019-10-18. Review status: criteria provided, single submitter. Criteria: ACMG Guidelines, 2015. Collection method: clinical testing. Allele origin: germline.

Eurofins Ntd Llc (ga)
Classification: Uncertain significance. Last evaluated: 2017-05-18. Review status: criteria provided, single submitter. Criteria: EGL Classification Definitions 2015. Collection method: clinical testing. Allele origin: germline. Observed: 1 variant allele, 1 heterozygote.

NM_005529.7(HSPG2):c.2411T>C (p.Met804Thr)

Gene: HSPG2 (heparan sulfate proteoglycan 2; minus strand). Cytogenetic location: 1p36.12.
Variant type: single nucleotide variant.
Coding change: c.2411T>C on transcript NM_005529.7 (MANE Select); coding-DNA position 2411, T replaced by C.
Protein change: p.Met804Thr; replaces methionine 804 with threonine.
Molecular consequence: missense variant.
Genome position (GRCh38, 1-based): chr1:21,879,054, A>G on the plus strand (T>C on the coding strand, the complement: HSPG2 is on the minus strand). VCF-style: chr1-21879054-A-G. GRCh37 (hg19) VCF-style: chr1-22205547-A-G.
Other names: c.2414T>C, p.Met805Thr (NM_001291860.2); c.2411T>C (NM_005529.5, NM_005529.6); short protein forms M804T, M805T.
Identifiers: ClinVar variation 501918 (VCV000501918.15), dbSNP rs761964111, ClinGen allele CA673079.